The following is an entry in ClinVar:

NM_001005242.3(PKP2):c.525G>A (p.Gly175=)

Gene: PKP2 (plakophilin 2; minus strand). Cytogenetic location: 12p11.21.
Variant type: single nucleotide variant.
Coding change: c.525G>A on transcript NM_001005242.3 (MANE Select); coding-DNA position 525, G replaced by A.
Protein change: p.Gly175=; no amino-acid change (glycine 175 retained).
Molecular consequence: synonymous variant.
Genome position (GRCh38, 1-based): chr12:32,878,355, C>T on the plus strand (G>A on the coding strand, the complement: PKP2 is on the minus strand). VCF-style: chr12-32878355-C-T. GRCh37 (hg19) VCF-style: chr12-33031289-C-T.
Other names: c.525G>A, p.Gly175= (NM_004572.4).
Identifiers: ClinVar variation 756280 (VCV000756280.11), dbSNP rs748807540, ClinGen allele CA037773.

ClinVar aggregate classification (germline): Likely benign. Review status: criteria provided, multiple submitters, no conflicts (2 of 4 stars). 3 submissions from 3 submitters: Likely benign (3). Last evaluated 2024-07-08.

Conditions:
Cardiovascular phenotype. Identifiers: MedGen CN230736.
Arrhythmogenic right ventricular cardiomyopathy (ARVD). Also called: Arrhythmogenic cardiomyopathy; Cardiomyopathy, ARVC; Arrhythmogenic right ventricular dysplasia; Arrhythmogenic Right Ventricular Cardiomyopathy (ARVC). Identifiers: Orphanet 247, MedGen C0349788, MeSH D019571, MONDO:0016587. Disease mechanism: loss of function. Inheritance: Various modes of inheritance.
Arrhythmogenic right ventricular dysplasia 9 (ARVD9). Also called: Arrhythmogenic Right Ventricular Dysplasia/Cardiomyopathy 9; ARRHYTHMOGENIC RIGHT VENTRICULAR DYSPLASIA, FAMILIAL, 9. Identifiers: MedGen C1836906, MONDO:0012180, OMIM 609040.

Allele frequency attached by ClinVar (database versions not stated): ExAC 0.00001; gnomAD 0.00001; gnomAD exomes 0.00001.
gnomAD v4.1: 4 of 1,613,196 alleles (0.00025%); highest among the groups gnomAD compares: Non-Finnish European, 0.00034%; no homozygotes.

Submissions (3):

Labcorp Genetics (formerly Invitae), Labcorp
Classification: Likely benign for Arrhythmogenic right ventricular dysplasia 9. Last evaluated: 2024-07-08. Review status: criteria provided, single submitter. Criteria: Invitae Variant Classification Sherloc (09022015). Collection method: clinical testing. Allele origin: germline.

All of Us Research Program, National Institutes of Health
Classification: Likely benign for Arrhythmogenic right ventricular cardiomyopathy. Last evaluated: 2023-04-28. Review status: criteria provided, single submitter. Criteria: ACMG Guidelines, 2015. Collection method: clinical testing. Allele origin: germline. Inheritance: Autosomal dominant inheritance. Observed: 1 variant allele, 1 heterozygote.
Comment: This study involves interpretation of variants in research participants for the purpose of population health screening. Participant phenotype was not available at the time of variant classification. Additional details can be found in publication PMID: 35346344, PMCID: PMC8962531

Ambry Genetics
Classification: Likely benign for Cardiovascular phenotype. Last evaluated: 2022-08-17. Review status: criteria provided, single submitter. Criteria: Ambry Variant Classification Scheme 2023. Collection method: clinical testing. Allele origin: germline.